The following is an entry in ClinVar:

ClinVar aggregate classification (germline): Conflicting classifications of pathogenicity. Review status: criteria provided, conflicting classifications (1 of 4 stars). 2 submissions from 2 submitters: Uncertain significance (1); Likely benign (1). Last evaluated 2025-05-12.

Conditions:
Hereditary cancer-predisposing syndrome. Also called: Hereditary Cancer Syndrome; Hereditary neoplastic syndrome; Neoplastic Syndromes, Hereditary; Tumor predisposition. Identifiers: Orphanet 140162, MedGen C0027672, MeSH D009386, MONDO:0015356.
Hereditary breast ovarian cancer syndrome. Also called: BRCA1- and BRCA2-Associated Hereditary Breast and Ovarian Cancer; Hereditary breast and ovarian cancer; Hereditary breast and ovarian cancer syndrome (HBOC); Hereditary breast and/or ovarian cancer syndrome; Hereditary breast and ovarian cancer syndrome; Breast and ovarian cancer. Identifiers: Orphanet 145, MedGen C0677776, MeSH D061325, MONDO:0003582. Disease mechanism: loss of function.

Submissions (2):

Labcorp Genetics (formerly Invitae), Labcorp
Classification: Uncertain significance for Hereditary breast ovarian cancer syndrome. Last evaluated: 2025-05-12. Review status: criteria provided, single submitter. Criteria: Invitae Variant Classification Sherloc (09022015). Collection method: clinical testing. Allele origin: germline.
Comment: This sequence change replaces proline, which is neutral and non-polar, with threonine, which is neutral and polar, at codon 740 of the BRCA2 protein (p.Pro740Thr). This variant is not present in population databases (gnomAD no frequency). This variant has not been reported in the literature in individuals affected with BRCA2-related conditions. ClinVar contains an entry for this variant (Variation ID: 1447089). Invitae Evidence Modeling of protein sequence and biophysical properties (such as structural, functional, and spatial information, amino acid conservation, physicochemical variation, residue mobility, and thermodynamic stability) indicates that this missense variant is not expected to disrupt BRCA2 protein function with a negative predictive value of 95%. In summary, the available evidence is currently insufficient to determine the role of this variant in disease. Therefore, it has been classified as a Variant of Uncertain Significance.

University of Washington Department of Laboratory Medicine, University of Washington
Classification: Likely benign for Hereditary cancer-predisposing syndrome. Last evaluated: 2023-03-23. Review status: criteria provided, single submitter. Criteria: Dines et al. (Genet Med. 2020). Collection method: curation. Allele origin: germline.
Comment: Missense variant in a coldspot region where missense variants are very unlikely to be pathogenic (PMID:31911673).

BRCA2 exon 11 coldspot. Reclassification based on statistical prior probability.

NM_000059.4(BRCA2):c.2218C>A (p.Pro740Thr)

Gene: BRCA2 (BRCA2 DNA repair associated; plus strand). Cytogenetic location: 13q13.1.
Variant type: single nucleotide variant.
Coding change: c.2218C>A on transcript NM_000059.4 (MANE Select); coding-DNA position 2218, C replaced by A.
Protein change: p.Pro740Thr; replaces proline 740 with threonine.
Molecular consequence: missense variant.
Genome position (GRCh38, 1-based): chr13:32,336,573, C>A. VCF-style: chr13-32336573-C-A. GRCh37 (hg19) VCF-style: chr13-32910710-C-A.
Other names: short protein forms P740T.
Identifiers: ClinVar variation 1447089 (VCV001447089.9), dbSNP rs2137484346, ClinGen allele CA387770653.